The following is an entry in ClinVar:

ClinVar aggregate classification (germline): Uncertain significance (1 of 4 stars; one submission).

Allele frequency attached by ClinVar (database versions not stated): gnomAD exomes below 0.00001.
gnomAD v4.1: 1 of 1,488,290 alleles (0.000067%); highest among the groups gnomAD compares: Non-Finnish European, 0.000089%; no homozygotes.

Submission:

Labcorp Genetics (formerly Invitae), Labcorp
Classification: Uncertain significance. Last evaluated: 2023-12-21. Review status: criteria provided, single submitter. Criteria: Invitae Variant Classification Sherloc (09022015). Collection method: clinical testing. Allele origin: germline.
Comment: This sequence change replaces alanine, which is neutral and non-polar, with serine, which is neutral and polar, at codon 157 of the MESP1 protein (p.Ala157Ser). This variant is not present in population databases (gnomAD no frequency). This variant has not been reported in the literature in individuals affected with MESP1-related conditions. Algorithms developed to predict the effect of missense changes on protein structure and function output the following: SIFT: "Not Available"; PolyPhen-2: "Possibly Damaging"; Align-GVGD: "Not Available". The serine amino acid residue is found in multiple mammalian species, which suggests that this missense change does not adversely affect protein function. In summary, the available evidence is currently insufficient to determine the role of this variant in disease. Therefore, it has been classified as a Variant of Uncertain Significance.

NM_018670.4(MESP1):c.469G>T (p.Ala157Ser)

Genes: MESP1 (mesoderm posterior bHLH transcription factor 1; minus strand), LOC130057888 (ATAC-STARR-seq lymphoblastoid silent region 6803; plus strand). Cytogenetic location: 15q26.1.
Variant type: single nucleotide variant.
Coding change: c.469G>T on transcript NM_018670.4 (MANE Select); coding-DNA position 469, G replaced by T.
Protein change: p.Ala157Ser; replaces alanine 157 with serine.
Molecular consequence: missense variant.
Genome position (GRCh38, 1-based): chr15:89,750,763, C>A on the plus strand (G>T on the coding strand, the complement: MESP1 is on the minus strand). VCF-style: chr15-89750763-C-A. GRCh37 (hg19) VCF-style: chr15-90293994-C-A.
Other names: short protein forms A157S.
Identifiers: ClinVar variation 2704626 (VCV002704626.3), dbSNP rs2505153579, ClinGen allele CA393787136.